The following is an entry in ClinVar:

ClinVar aggregate classification (germline): Uncertain significance. Review status: criteria provided, multiple submitters, no conflicts (2 of 4 stars). 2 submissions from 2 submitters: Uncertain significance (2). Last evaluated 2026-03-12.

Conditions:
Hereditary cancer-predisposing syndrome. Also called: Tumor predisposition; Hereditary Cancer Syndrome; Hereditary neoplastic syndrome; Neoplastic Syndromes, Hereditary. Identifiers: Orphanet 140162, MedGen C0027672, MeSH D009386, MONDO:0015356.
Endometrial carcinoma. Also called: Endometrial carcinoma, somatic. Identifiers: MedGen C0476089, MONDO:0002447, OMIM 608089, HP:0012114.

Allele frequency attached by ClinVar (database versions not stated): gnomAD exomes below 0.00001.
gnomAD v4.1: 1 of 1,614,100 alleles (0.000062%); highest among the groups gnomAD compares: Non-Finnish European, 0.000085%; no homozygotes.

Submissions (2):

Ambry Genetics
Classification: Uncertain significance for Hereditary cancer-predisposing syndrome. Last evaluated: 2026-03-12. Review status: criteria provided, single submitter. Criteria: Ambry Variant Classification Scheme 2023. Collection method: clinical testing. Allele origin: germline.
Comment: The p.F1222S variant (also known as c.3665T>C), located in coding exon 8 of the MSH6 gene, results from a T to C substitution at nucleotide position 3665. The phenylalanine at codon 1222 is replaced by serine, an amino acid with highly dissimilar properties. This amino acid position is conserved. In addition, this alteration is predicted to be deleterious by in silico analysis. Based on the available evidence, the clinical significance of this variant remains unclear.

Baylor Genetics
Classification: Uncertain significance for Endometrial carcinoma. Last evaluated: 2023-09-03. Review status: criteria provided, single submitter. Criteria: ACMG Guidelines, 2015. Collection method: clinical testing. Allele origin: unknown.

NM_000179.3(MSH6):c.3665T>C (p.Phe1222Ser)

Gene: MSH6 (mutS homolog 6; plus strand). Cytogenetic location: 2p16.3.
Variant type: single nucleotide variant.
Coding change: c.3665T>C on transcript NM_000179.3 (MANE Select); coding-DNA position 3665, T replaced by C.
Protein change: p.Phe1222Ser; replaces phenylalanine 1222 with serine.
Molecular consequence: missense variant. On other transcripts: non-coding transcript variant (5).
Genome position (GRCh38, 1-based): chr2:47,806,222, T>C. VCF-style: chr2-47806222-T-C. GRCh37 (hg19) VCF-style: chr2-48033361-T-C.
Other names: c.3275T>C, p.Phe1092Ser (NM_001281492.2); c.2759T>C, p.Phe920Ser (NM_001281493.2, NM_001281494.2, NM_001406811.1 and 6 more transcripts); c.3761T>C, p.Phe1254Ser (NM_001406795.1, NM_001406802.1); c.3140T>C, p.Phe1047Ser (NM_001406806.1, NM_001406807.1, NM_001406799.1); c.3665T>C, p.Phe1222Ser (NM_001406808.1, NM_001406809.1, NM_001406796.1 and 1 more transcripts); c.3671T>C, p.Phe1224Ser (NM_001406813.1); c.2099T>C, p.Phe700Ser (NM_001406817.1); c.3368T>C, p.Phe1123Ser (NM_001406818.1, NM_001406819.1, NM_001406820.1 and 10 more transcripts); and 7 more; short protein forms F1047S, F1092S, F1123S, F1164S, F1166S, F1196S, F1222S, F1224S.
Identifiers: ClinVar variation 2676796 (VCV002676796.2), dbSNP rs2104537642, ClinGen allele CA346760840.
Genomic context (GRCh38, chr2:47,806,222, plus strand): 5'-ATTCCTTTGAGTTACTTCCTTATGCATATTTTACTTTAACAGGAAGAGGTACTGCAACAT[T>C]TGATGGGACGGCAATAGCAAATGCAGTTGTTAAAGAACTTGCTGAGACTATAAAATGTCG-3'
Protein context (NP_000170.1, residues 1212-1232): VDELGRGTAT[Phe1222Ser]DGTAIANAVV